The following is an entry in ClinVar:

ClinVar aggregate classification (germline): Pathogenic/Likely pathogenic. Review status: criteria provided, multiple submitters, no conflicts (2 of 4 stars). 3 submissions from 3 submitters: Pathogenic (2); Likely pathogenic (1). Last evaluated 2026-01-26.

Conditions:
MPDZ-related disorder. Also called: MPDZ-related condition.
Hydrocephalus, nonsyndromic, autosomal recessive 2. Also called: Hydrocephalus, congenital, 2, with or without brain or eye anomalies. Identifiers: Orphanet 2185, MedGen C3554691, MONDO:0014085, OMIM 615219.

Allele frequency attached by ClinVar (database versions not stated): ExAC 0.00002; ESP Exome Variant Server 0.00009; gnomAD exomes 0.00001; gnomAD 0.00001 and 0.00002; TOPMed 0.00001.

Submissions (3):

Labcorp Genetics (formerly Invitae), Labcorp
Classification: Pathogenic. Last evaluated: 2026-01-26. Review status: criteria provided, single submitter. Criteria: Invitae Variant Classification Sherloc (09022015). Collection method: clinical testing. Allele origin: germline.
Comment: This sequence change creates a premature translational stop signal (p.Ser963Tyrfs*19) in the MPDZ gene. It is expected to result in an absent or disrupted protein product. Loss-of-function variants in MPDZ are known to be pathogenic (PMID: 23240096, 28556411). This variant is present in population databases (rs747068627, gnomAD 0.01%). This variant has not been reported in the literature in individuals affected with MPDZ-related conditions. ClinVar contains an entry for this variant (Variation ID: 929452). For these reasons, this variant has been classified as Pathogenic.

PreventionGenetics, part of Exact Sciences
Classification: Likely pathogenic for MPDZ-related condition. Last evaluated: 2023-04-19. Review status: criteria provided, single submitter. Criteria: ACMG Guidelines, 2015. Collection method: clinical testing. Allele origin: germline.
Comment: The MPDZ c.2882_2885dupTTAT variant is predicted to result in a frameshift and premature protein termination (p.Ser963Tyrfs*19). To our knowledge, this variant has not been reported in the literature. This variant is reported in 0.013% of alleles in individuals of European (Non-Finnish) descent in gnomAD. Frameshift variants in MPDZ are expected to be pathogenic. This variant is interpreted as likely pathogenic.

HudsonAlpha Institute for Biotechnology
Classification: Pathogenic for Hydrocephalus, nonsyndromic, autosomal recessive 2. Last evaluated: 2020-04-28. Review status: criteria provided, single submitter. Criteria: ACMG Guidelines, 2015. Collection method: research. Allele origin: maternal. Affected: yes. Observed: 1 variant allele. Study: CSER-SouthSeq.
Comment: ACMG codes: PVS1, PM2, PP4

Literature cited by the submitters: PubMed 23240096 (cited by Labcorp Genetics (formerly Invitae), Labcorp); PubMed 28556411 (cited by Labcorp Genetics (formerly Invitae), Labcorp).

NM_001378778.1(MPDZ):c.2882_2885dup (p.Ser963fs)

Gene: MPDZ (multiple PDZ domain crumbs cell polarity complex component; minus strand). Cytogenetic location: 9p23.
Variant type: Duplication.
Coding change: c.2882_2885dup on transcript NM_001378778.1 (MANE Select); coding-DNA positions 2882 to 2885, 4 bases duplicated (TTAT; older notation c.2882_2885dupTTAT).
Protein change: p.Ser963fs; shifts the reading frame from serine 963.
Molecular consequence: frameshift variant.
Genome position (GRCh38, 1-based): chr9:13,176,182-13,176,185, ATAA duplicated on the plus strand (TTAT on the coding strand, the reverse complement: MPDZ is on the minus strand). VCF-style (leftmost placement, unchanged base first): chr9-13176181-T-TATAA. GRCh37 (hg19) VCF-style: chr9-13176180-T-TATAA.
Other names: c.2882_2885dup, p.Ser963fs (NM_001261406.2, NM_001261407.2, NM_001330637.2 and 14 more transcripts); short protein forms S963fs.
Identifiers: ClinVar variation 929452 (VCV000929452.5), dbSNP rs747068627, ClinGen allele CA4987343.